The following is an entry in ClinVar:

NM_005732.4(RAD50):c.3390-5T>G

Genes: RAD50 (RAD50 double strand break repair protein; plus strand), TH2-LCR (Th2 cytokine locus control region; plus strand), TH2LCRR (T helper type 2 locus control region associated RNA; minus strand). Cytogenetic location: 5q31.1.
Variant type: single nucleotide variant.
Coding change: c.3390-5T>G on transcript NM_005732.4 (MANE Select); 5 bases into the intron before coding-DNA position 3390, T replaced by G.
Molecular consequence: intron variant.
Genome position (GRCh38, 1-based): chr5:132,637,110, T>G. VCF-style: chr5-132637110-T-G. GRCh37 (hg19) VCF-style: chr5-131972802-T-G.
Identifiers: ClinVar variation 2730698 (VCV002730698.3), dbSNP rs1561658734, ClinGen allele CA2697546488.
Genomic context (GRCh38, chr5:132,637,110, plus strand): 5'-TTAATATTACTATTACACATAATTATTTTTTATATATATGAAGTACCAATGACTTCCTTT[T>G]CCAGAGCAATAATGAAATTTCACAGTATGAAAATGGAAGAAATCAATAAAATTATACGTG-3'

ClinVar aggregate classification (germline): Uncertain significance (1 of 4 stars; one submission).

Conditions:
Hereditary cancer-predisposing syndrome. Also called: Hereditary Cancer Syndrome; Tumor predisposition; Neoplastic Syndromes, Hereditary; Hereditary neoplastic syndrome. Identifiers: Orphanet 140162, MedGen C0027672, MeSH D009386, MONDO:0015356.

Submission:

Labcorp Genetics (formerly Invitae), Labcorp
Classification: Uncertain significance for Hereditary cancer-predisposing syndrome. Last evaluated: 2023-06-27. Review status: criteria provided, single submitter. Criteria: Invitae Variant Classification Sherloc (09022015). Collection method: clinical testing. Allele origin: germline.
Comment: In summary, the available evidence is currently insufficient to determine the role of this variant in disease. Therefore, it has been classified as a Variant of Uncertain Significance. Algorithms developed to predict the effect of sequence changes on RNA splicing suggest that this variant may disrupt the consensus splice site. This variant has not been reported in the literature in individuals affected with RAD50-related conditions. This variant is not present in population databases (gnomAD no frequency). This sequence change falls in intron 21 of the RAD50 gene. It does not directly change the encoded amino acid sequence of the RAD50 protein.